The following is an entry in ClinVar:

NM_024675.4(PALB2):c.1455T>G (p.Thr485=)

Gene: PALB2 (partner and localizer of BRCA2; minus strand). Cytogenetic location: 16p12.2.
Variant type: single nucleotide variant.
Coding change: c.1455T>G on transcript NM_024675.4 (MANE Select); coding-DNA position 1455, T replaced by G.
Protein change: p.Thr485=; no amino-acid change (threonine 485 retained).
Molecular consequence: synonymous variant.
Genome position (GRCh38, 1-based): chr16:23,635,091, A>C on the plus strand (T>G on the coding strand, the complement: PALB2 is on the minus strand). VCF-style: chr16-23635091-A-C. GRCh37 (hg19) VCF-style: chr16-23646412-A-C.
Identifiers: ClinVar variation 241529 (VCV000241529.24), dbSNP rs566105533, ClinGen allele CA7963707.

ClinVar aggregate classification (germline): Benign/Likely benign. Review status: criteria provided, multiple submitters, no conflicts (2 of 4 stars). 9 submissions from 9 submitters: Benign (1); Likely benign (8). Last evaluated 2026-02-02.

Conditions:
Familial cancer of breast. Also called: BREAST CANCER, FAMILIAL; Hereditary breast cancer; hereditary breast carcinoma. Identifiers: Orphanet 227535, MedGen C0346153, MONDO:0016419, OMIM 114480. Disease mechanism: loss of function.
Fanconi anemia complementation group N. Also called: PALB2-Related Fanconi Anemia. Identifiers: Orphanet 84, MedGen C1835817, MONDO:0012565, OMIM 610832. Disease mechanism: loss of function.
Pancreatic cancer, susceptibility to, 3. Identifiers: Orphanet 1333, MedGen C3150547, MONDO:0013236, OMIM 613348.
Hereditary cancer-predisposing syndrome. Also called: Neoplastic Syndromes, Hereditary; Tumor predisposition; Hereditary neoplastic syndrome; Hereditary Cancer Syndrome. Identifiers: Orphanet 140162, MedGen C0027672, MeSH D009386, MONDO:0015356.

Allele frequency attached by ClinVar (database versions not stated): ExAC 0.00001; gnomAD exomes 0.00001; TOPMed 0.00007; gnomAD 0.00010 and 0.00011; 1000 Genomes Project 30x 0.00016; 1000 Genomes Project 0.00020.
gnomAD v4.1: 27 of 1,614,202 alleles (0.0017%); highest among the groups gnomAD compares: African/African-American, 0.036%; no homozygotes.

Submissions (9):

Labcorp Genetics (formerly Invitae), Labcorp
Classification: Likely benign for Familial cancer of breast. Last evaluated: 2026-02-02. Review status: criteria provided, single submitter. Criteria: Invitae Variant Classification Sherloc (09022015). Collection method: clinical testing. Allele origin: germline.

Quest Diagnostics Nichols Institute San Juan Capistrano
Classification: Likely benign. Last evaluated: 2025-11-07. Review status: criteria provided, single submitter. Criteria: Quest Diagnostics criteria. Collection method: clinical testing. Allele origin: unknown.

Myriad Genetics, Inc.
Classification: Benign for Familial cancer of breast. Last evaluated: 2025-01-13. Review status: criteria provided, single submitter. Criteria: Myriad Autosomal Dominant, Autosomal Recessive and X-Linked Classification Criteria (2023). Collection method: clinical testing. Allele origin: unknown.
Comment: This variant is considered benign. This variant is a silent/synonymous amino acid change and it is not expected to impact splicing.

Fulgent Genetics
Classification: Likely benign for Familial cancer of breast; Fanconi anemia complementation group N; Pancreatic cancer, susceptibility to, 3. Last evaluated: 2021-12-09. Review status: criteria provided, single submitter. Criteria: ACMG Guidelines, 2015. Collection method: clinical testing. Allele origin: unknown.

Sema4
Classification: Likely benign for Hereditary cancer-predisposing syndrome. Last evaluated: 2021-12-01. Review status: criteria provided, single submitter. Criteria: Sema4 Curation Guidelines. Collection method: curation. Allele origin: germline.

GeneDx
Classification: Likely benign. Last evaluated: 2021-01-26. Review status: criteria provided, single submitter. Criteria: GeneDx Variant Classification Process June 2021. Collection method: clinical testing. Allele origin: germline. Affected: yes.

Women's Health and Genetics/Laboratory Corporation of America, LabCorp
Classification: Likely benign. Last evaluated: 2019-10-23. Review status: criteria provided, single submitter. Criteria: LabCorp Variant Classification Summary - May 2015. Collection method: clinical testing. Allele origin: germline.

Color Diagnostics, LLC DBA Color Health
Classification: Likely benign for Hereditary cancer-predisposing syndrome. Last evaluated: 2016-06-20. Review status: criteria provided, single submitter. Criteria: ACMG Guidelines, 2015. Collection method: clinical testing. Allele origin: germline.

Ambry Genetics
Classification: Likely benign for Hereditary cancer-predisposing syndrome. Last evaluated: 2015-12-03. Review status: criteria provided, single submitter. Criteria: Ambry Variant Classification Scheme 2023. Collection method: clinical testing. Allele origin: germline.